The following is an entry in ClinVar:

ClinVar aggregate classification (germline): Uncertain significance (1 of 4 stars; one submission).

Conditions:
Catecholaminergic polymorphic ventricular tachycardia 1. Also called: VENTRICULAR TACHYCARDIA, CATECHOLAMINERGIC POLYMORPHIC, 1, WITH OR WITHOUT ATRIAL DYSFUNCTION AND/OR DILATED CARDIOMYOPATHY; RYR2-Related Catecholaminergic Polymorphic Ventricular Tachycardia; VENTRICULAR TACHYCARDIA, STRESS-INDUCED POLYMORPHIC 1. Identifiers: Orphanet 3286, MedGen C1631597, MONDO:0011484, OMIM 604772.

gnomAD v4.1: 2 of 1,510,168 alleles (0.00013%); highest among the groups gnomAD compares: Non-Finnish European, 0.00018%; no homozygotes.

Submission:

Labcorp Genetics (formerly Invitae), Labcorp
Classification: Uncertain significance for Catecholaminergic polymorphic ventricular tachycardia 1. Last evaluated: 2025-06-10. Review status: criteria provided, single submitter. Criteria: Invitae Variant Classification Sherloc (09022015). Collection method: clinical testing. Allele origin: germline.
Comment: This sequence change falls in intron 29 of the TRDN gene. It does not directly change the encoded amino acid sequence of the TRDN protein. This variant is present in population databases (no rsID available, gnomAD 0.007%). This variant has not been reported in the literature in individuals affected with TRDN-related conditions. Algorithms developed to predict the effect of sequence changes on RNA splicing suggest that this variant may disrupt the consensus splice site. In summary, the available evidence is currently insufficient to determine the role of this variant in disease. Therefore, it has been classified as a Variant of Uncertain Significance.

NM_006073.4(TRDN):c.1673-18C>G

Gene: TRDN (triadin; minus strand). Cytogenetic location: 6q22.31.
Variant type: single nucleotide variant.
Coding change: c.1673-18C>G on transcript NM_006073.4 (MANE Select); 18 bases into the intron before coding-DNA position 1673, C replaced by G.
Molecular consequence: intron variant.
Genome position (GRCh38, 1-based): chr6:123,271,204, G>C on the plus strand (C>G on the coding strand, the complement: TRDN is on the minus strand). VCF-style: chr6-123271204-G-C. GRCh37 (hg19) VCF-style: chr6-123592349-G-C.
Identifiers: ClinVar variation 4750001 (VCV004750001.1).
Genomic context (GRCh38, chr6:123,271,204, plus strand): 5'-TTTTCTATTGTGACAGCTTTTACCTGCTTGAGAACTTTTTCTTCTGTGATAGGAAAAAAT[G>C]TTAACACAAGTAGGAAATTTGAATACATCAGTGACATATTTCAACCATGATTTTTGTATT-3'